The following is an entry in ClinVar:

ClinVar aggregate classification (germline): Likely benign. Review status: criteria provided, single submitter (1 of 4 stars). 2 submissions from 2 submitters: Likely benign (1). 1 of the submissions does not count toward it. Last evaluated 2025-06-12.

Conditions:
PLCE1-related disorder. Also called: PLCE1-related condition.

Allele frequency attached by ClinVar (database versions not stated): gnomAD exomes 0.00001; ExAC 0.00006; ESP Exome Variant Server 0.00008; gnomAD 0.00017; 1000 Genomes Project 0.00020; TOPMed 0.00023; 1000 Genomes Project 30x 0.00031.
gnomAD v4.1: 46 of 1,613,996 alleles (0.0029%); highest among the groups gnomAD compares: African/African-American, 0.053%; no homozygotes.

Submissions (2):

Labcorp Genetics (formerly Invitae), Labcorp
Classification: Likely benign. Last evaluated: 2025-06-12. Review status: criteria provided, single submitter. Criteria: Invitae Variant Classification Sherloc (09022015). Collection method: clinical testing. Allele origin: germline.

PreventionGenetics, part of Exact Sciences
Classification: Likely benign for PLCE1-related condition. Last evaluated: 2021-08-09. Review status: no assertion criteria provided. Collection method: clinical testing. Allele origin: germline. Not counted in ClinVar's aggregate classification.
Comment: This variant is classified as likely benign based on ACMG/AMP sequence variant interpretation guidelines (Richards et al. 2015 PMID: 25741868, with internal and published modifications).

NM_016341.4(PLCE1):c.1560G>A (p.Lys520=)

Gene: PLCE1 (phospholipase C epsilon 1; plus strand). Cytogenetic location: 10q23.33.
Variant type: single nucleotide variant.
Coding change: c.1560G>A on transcript NM_016341.4 (MANE Select); coding-DNA position 1560, G replaced by A.
Protein change: p.Lys520=; no amino-acid change (lysine 520 retained).
Molecular consequence: synonymous variant.
Genome position (GRCh38, 1-based): chr10:94,171,247, G>A. VCF-style: chr10-94171247-G-A. GRCh37 (hg19) VCF-style: chr10-95931004-G-A.
Other names: c.636G>A, p.Lys212= (NM_001165979.2); c.1560G>A, p.Lys520= (NM_001288989.2).
Identifiers: ClinVar variation 3046851 (VCV003046851.3), dbSNP rs199880665, ClinGen allele CA5612417.